The following is an entry in ClinVar:

ClinVar aggregate classification (germline): Uncertain significance. Review status: criteria provided, multiple submitters, no conflicts (2 of 4 stars). 4 submissions from 4 submitters: Uncertain significance (4). Last evaluated 2025-12-03.

Conditions:
Myoclonic epilepsy, juvenile, susceptibility to, 1. Also called: Myoclonic Epilepsy, Juvenile, 1; EJM1. Identifiers: MedGen C1850778, MONDO:0020752, OMIM 254770.
Absence seizure. Also called: Absence epilepsy. Identifiers: Orphanet 1941, MedGen C0014553.

Allele frequency attached by ClinVar (database versions not stated): ExAC 0.00002; gnomAD exomes 0.00002 and 0.00005; gnomAD 0.00003 and 0.00004; TOPMed 0.00005.
gnomAD v4.1: 35 of 1,614,000 alleles (0.0022%); highest among the groups gnomAD compares: Middle Eastern, 0.033%; no homozygotes.

Submissions (4):

Women's Health and Genetics/Laboratory Corporation of America, LabCorp
Classification: Uncertain significance. Last evaluated: 2025-12-03. Review status: criteria provided, single submitter. Criteria: LabCorp Variant Classification Summary - May 2015. Collection method: clinical testing. Allele origin: germline.
Comment: Variant summary: EFHC1 c.647G>A (p.Arg216Gln) results in a conservative amino acid change in the encoded protein sequence. Algorithms developed to predict the effect of missense changes on protein structure and function are either unavailable or do not agree on the potential impact of this missense change. The variant allele was found at a frequency of 5.2e-05 in 251390 control chromosomes. This frequency is not significantly higher than estimated for disease-causing variants in EFHC1, allowing no conclusion about variant significance. To our knowledge, no occurrence of c.647G>A in individuals affected with EFHC1-related conditions and no experimental evidence demonstrating its impact on protein function have been reported. ClinVar contains an entry for this variant (Variation ID: 210911). Based on the evidence outlined above, the variant was classified as uncertain significance.

Labcorp Genetics (formerly Invitae), Labcorp
Classification: Uncertain significance for Myoclonic epilepsy, juvenile, susceptibility to, 1; Absence seizure. Last evaluated: 2024-02-17. Review status: criteria provided, single submitter. Criteria: Invitae Variant Classification Sherloc (09022015). Collection method: clinical testing. Allele origin: germline.
Comment: This sequence change replaces arginine, which is basic and polar, with glutamine, which is neutral and polar, at codon 216 of the EFHC1 protein (p.Arg216Gln). This variant is present in population databases (rs77682973, gnomAD 0.03%). This variant has not been reported in the literature in individuals affected with EFHC1-related conditions. This missense change has been observed in at least one individual who was not affected with EFHC1-related conditions (Invitae). ClinVar contains an entry for this variant (Variation ID: 210911). Advanced modeling of protein sequence and biophysical properties (such as structural, functional, and spatial information, amino acid conservation, physicochemical variation, residue mobility, and thermodynamic stability) has been performed at Invitae for this missense variant, however the output from this modeling did not meet the statistical confidence thresholds required to predict the impact of this variant on EFHC1 protein function. In summary, the available evidence is currently insufficient to determine the role of this variant in disease. Therefore, it has been classified as a Variant of Uncertain Significance.

Ambry Genetics
Classification: Uncertain significance. Last evaluated: 2022-11-18. Review status: criteria provided, single submitter. Criteria: Ambry Variant Classification Scheme 2023. Collection method: clinical testing. Allele origin: germline.

Genetic Services Laboratory, University of Chicago
Classification: Uncertain significance. Last evaluated: 2014-10-24. Review status: criteria provided, single submitter. Criteria: ACMG Guidelines, 2015. Collection method: clinical testing. Allele origin: germline.

NM_018100.4(EFHC1):c.647G>A (p.Arg216Gln)

Gene: EFHC1 (EF-hand domain containing 1; plus strand). Cytogenetic location: 6p12.2.
Variant type: single nucleotide variant.
Coding change: c.647G>A on transcript NM_018100.4 (MANE Select); coding-DNA position 647, G replaced by A.
Protein change: p.Arg216Gln; replaces arginine 216 with glutamine.
Molecular consequence: missense variant. On other transcripts: non-coding transcript variant (1).
Genome position (GRCh38, 1-based): chr6:52,452,761, G>A. VCF-style: chr6-52452761-G-A. GRCh37 (hg19) VCF-style: chr6-52317559-G-A.
Other names: c.590G>A, p.Arg197Gln (NM_001172420.2); short protein forms R216Q, R197Q.
Identifiers: ClinVar variation 210911 (VCV000210911.18), dbSNP rs77682973, ClinGen allele CA206869.